The following is an entry in ClinVar:

NM_007180.3(TREH):c.90-9_106del

Gene: TREH (trehalase; minus strand). Cytogenetic location: 11q23.3.
Variant type: Deletion.
Coding change: c.90-9_106del on transcript NM_007180.3 (MANE Select); 9 bases into the intron before coding-DNA position 90 through coding-DNA position 106, 26 bases deleted (TCTCTGCAGTGAGATTTACTGCCACG).
Molecular consequence: splice acceptor variant.
Genome position (GRCh38, 1-based): chr11:118,663,423-118,663,448, CGTGGCAGTAAATCTCACTGCAGAGA deleted on the plus strand (TCTCTGCAGTGAGATTTACTGCCACG on the coding strand, the reverse complement: TREH is on the minus strand); deleting any 26 consecutive bases within chr11:118,663,423-118,663,449 gives the same sequence; the c. name uses the placement nearest the transcript's 3' end. VCF-style (leftmost placement, unchanged base first): chr11-118663422-CCGTGGCAGTAAATCTCACTGCAGAGA-C. GRCh37 (hg19) VCF-style: chr11-118534131-CCGTGGCAGTAAATCTCACTGCAGAGA-C.
Other names: c.90-9_106del (NM_001301065.2).
Identifiers: ClinVar variation 488190 (VCV000488190.3), dbSNP rs527655595, ClinGen allele CA6308233.

ClinVar aggregate classification (germline): Conflicting classifications of pathogenicity. Review status: no assertion criteria provided (0 of 4 stars). 2 submissions from 2 submitters: Pathogenic (1); Uncertain significance (1). Last evaluated 2020-01-06.

Conditions:
alpha, alpha-Trehalase deficiency. Also called: TREHALASE DEFICIENCY; TREHALOSE INTOLERANCE; Diarrhea-vomiting due to trehalase deficiency. Identifiers: Orphanet 103909, MedGen C0268187, MONDO:0012803, OMIM 612119.

Submissions (2):

Reproductive Health Research and Development, BGI Genomics
Classification: Uncertain significance for alpha, alpha-Trehalase deficiency. Last evaluated: 2020-01-06. Review status: no assertion criteria provided. Collection method: curation. Allele origin: germline.
Comment: NG_023321.1(NM_007180.2):c.90-9_106del in the TREH gene has an allele frequency of 0.011 in South Asian subpopulation in the gnomAD database. Saleheen et al. identified six participants homozygous for c.90-9_106del in a cohort with a high rate of consanguinity (PMID: 28406212). We interpret it as a variant of uncertain significance in favor of likely pathogenic. ACMG/AMP criteria applied: BS1; PM3.

OMIM
Classification: Pathogenic for TREHALASE DEFICIENCY. Last evaluated: 2018-01-24. Review status: no assertion criteria provided. Collection method: literature only. Allele origin: germline.

Literature cited by the submitters: PubMed 28406212 (cited by OMIM).